The following is an entry in ClinVar:

NM_005502.4(ABCA1):c.*2129A>T

Genes: ABCA1 (ATP binding cassette subfamily A member 1; minus strand), NIPSNAP3B (nipsnap homolog 3B; plus strand). Cytogenetic location: 9q31.1.
Variant type: single nucleotide variant.
Coding change: c.*2129A>T on transcript NM_005502.4 (MANE Select); 2129 bases downstream of the stop codon, A replaced by T.
Molecular consequence: 3 prime UTR variant.
Genome position (GRCh38, 1-based): chr9:104,782,186, T>A on the plus strand (A>T on the coding strand, the complement: ABCA1 is on the minus strand). VCF-style: chr9-104782186-T-A. GRCh37 (hg19) VCF-style: chr9-107544467-T-A.
Identifiers: ClinVar variation 913682 (VCV000913682.4), dbSNP rs573577369, ClinGen allele CA197394909.

ClinVar aggregate classification (germline): Benign/Likely benign. Review status: criteria provided, single submitter (1 of 4 stars). 2 submissions from 1 submitter: Benign (1); Likely benign (1). Last evaluated 2018-01-13.

Conditions:
Tangier disease (TGD). Also called: HIGH DENSITY LIPOPROTEIN DEFICIENCY, TANGIER TYPE; HIGH DENSITY LIPOPROTEIN DEFICIENCY, TYPE 1; Cholesterol thesaurismosis. Identifiers: Orphanet 31150, MedGen C0039292, MONDO:0008783, OMIM 205400.
Hypoalphalipoproteinemia, primary, 1. Identifiers: Orphanet 425, MedGen C5231558, MONDO:0011393, OMIM 604091.

Allele frequency attached by ClinVar (database versions not stated): 1000 Genomes Project 30x 0.00312; 1000 Genomes Project 0.00319.
gnomAD v4.1: 41 of 152,232 alleles (0.027%); highest among the groups gnomAD compares: South Asian, 0.85%; no homozygotes.

Submissions (2):

Illumina Laboratory Services, Illumina
Classification: Benign for Hypoalphalipoproteinemia, primary, 1. Last evaluated: 2018-01-13. Review status: criteria provided, single submitter. Criteria: ICSL Variant Classification Criteria 13 December 2019. Collection method: clinical testing. Allele origin: germline.
Comment: This variant was observed in the ICSL laboratory as part of a predisposition screen in an ostensibly healthy population. It had not been previously curated by ICSL or reported in the Human Gene Mutation Database (HGMD: prior to June 1st, 2018), and was therefore a candidate for classification through an automated scoring system. Utilizing variant allele frequency, disease prevalence and penetrance estimates, and inheritance mode, an automated score was calculated to assess if this variant is too frequent to cause the disease. Based on the score and internal cut-off values, a variant classified as benign is not then subjected to further curation. The score for this variant resulted in a classification of benign for this disease.

Illumina Laboratory Services, Illumina
Classification: Likely benign for Tangier disease. Last evaluated: 2018-01-13. Review status: criteria provided, single submitter. Criteria: ICSL Variant Classification Criteria 13 December 2019. Collection method: clinical testing. Allele origin: germline.
Comment: This variant was observed in the ICSL laboratory as part of a predisposition screen in an ostensibly healthy population. It had not been previously curated by ICSL or reported in the Human Gene Mutation Database (HGMD: prior to June 1st, 2018), and was therefore a candidate for classification through an automated scoring system. Utilizing variant allele frequency, disease prevalence and penetrance estimates, and inheritance mode, an automated score was calculated to assess if this variant is too frequent to cause the disease. Based on the score and internal cut-off values, a variant classified as likely benign is not then subjected to further curation. The score for this variant resulted in a classification of likely benign for this disease.